The following is an entry in ClinVar:

NM_177438.3(DICER1):c.5461A>G (p.Met1821Val)

Gene: DICER1 (dicer 1, ribonuclease III; minus strand). Cytogenetic location: 14q32.13.
Variant type: single nucleotide variant.
Coding change: c.5461A>G on transcript NM_177438.3 (MANE Select); coding-DNA position 5461, A replaced by G.
Protein change: p.Met1821Val; replaces methionine 1821 with valine.
Molecular consequence: missense variant. On other transcripts: intron variant (1).
Genome position (GRCh38, 1-based): chr14:95,091,269, T>C on the plus strand (A>G on the coding strand, the complement: DICER1 is on the minus strand). VCF-style: chr14-95091269-T-C. GRCh37 (hg19) VCF-style: chr14-95557606-T-C.
Other names: NM_177438.3(DICER1):c.5461A>G; p.Met1821Val; c.5461A>G, p.Met1821Val (NM_001271282.3, NM_001291628.2, NM_030621.4); c.5365-160A>G (NM_001195573.1); short protein forms M1821V.
Identifiers: ClinVar variation 412149 (VCV000412149.15), dbSNP rs1060503604, ClinGen allele CA16614591.

ClinVar aggregate classification (germline): Uncertain significance. Review status: reviewed by expert panel (3 of 4 stars). 4 submissions from 4 submitters: Uncertain significance (1). 3 of the submissions do not count toward it. Last evaluated 2025-08-26.

Conditions:
Global developmental delay - lung cysts - overgrowth - Wilms tumor syndrome. Also called: GLOW Syndrome; GLOBAL DEVELOPMENTAL DELAY, LUNG CYSTS, OVERGROWTH, AND WILMS TUMOR. Identifiers: Orphanet 404476, MedGen C4748924, MONDO:0018445, OMIM 618272.
DICER1-related tumor predisposition. Also called: DICER1-related pleuropulmonary blastoma cancer predisposition syndrome; DICER1 syndrome. Identifiers: Orphanet 284343, MedGen C3839822, MONDO:0100216.
Hereditary cancer-predisposing syndrome. Also called: Hereditary neoplastic syndrome; Neoplastic Syndromes, Hereditary; Tumor predisposition; Hereditary Cancer Syndrome. Identifiers: Orphanet 140162, MedGen C0027672, MeSH D009386, MONDO:0015356.

Allele frequency attached by ClinVar (database versions not stated): gnomAD exomes below 0.00001.

Submissions (4):

ClinGen DICER1 and miRNA-Processing Gene Variant Curation Expert Panel, ClinGen
Classification: Uncertain significance for DICER1-related tumor predisposition. Last evaluated: 2025-08-26. Review status: reviewed by expert panel. Criteria: ClinGen DICER1 ACMG Specifications DICER1 V1.4.0. Collection method: curation. Allele origin: germline. Inheritance: Autosomal dominant inheritance.
Comment: The NM_177438.2:c.5461A>G variant in DICER1 is a missense variant predicted to cause substitution of methionine by valine at amino acid 1821 (p.Met1821Val). Although this variant has been observed in individuals undergoing genetic sequencing, to our knowledge, this variant has not been reported in individuals with DICER1-related tumor predisposition (PS4 not met; Internal lab contributors). This variant has an allele frequency of 0.0000012 (2/1614154 alleles) across gnomAD v4.1.0 with no more than one allele in any subpopulation, which is lower than the ClinGen DICER1 VCEP threshold (<0.000005) for PM2_Supporting, and therefore meets this criterion (PM2_Supporting). The computational predictor REVEL gives a score of 0.54, which is neither above nor below the thresholds predicting a damaging or benign impact on DICER1 function (PP3 and BP4 not met). This variant resides within the RNase IIIb domain (PM1_Supporting; PMID: 31342592). In summary, this variant meets the criteria to be classified as Uncertain Significance for DICER1-related tumor predisposition based on the ACMG/AMP criteria applied, as specified by the ClinGen DICER1 VCEP: PM1_Supporting, PM2_Supporting. (Bayesian Points: 2; VCEP specifications version 1.4.0; 08/26/2025)

Labcorp Genetics (formerly Invitae), Labcorp
Classification: Uncertain significance for DICER1-related tumor predisposition. Last evaluated: 2025-11-03. Review status: criteria provided, single submitter. Criteria: Invitae Variant Classification Sherloc (09022015). Collection method: clinical testing. Allele origin: germline. Not counted in ClinVar's aggregate classification.
Comment: This sequence change replaces methionine, which is neutral and non-polar, with valine, which is neutral and non-polar, at codon 1821 of the DICER1 protein (p.Met1821Val). This variant is present in population databases (no rsID available, gnomAD 0.003%). This variant has not been reported in the literature in individuals affected with DICER1-related conditions. ClinVar contains an entry for this variant (Variation ID: 412149). Invitae Evidence Modeling of protein sequence and biophysical properties (such as structural, functional, and spatial information, amino acid conservation, physicochemical variation, residue mobility, and thermodynamic stability) has been performed for this missense variant. However, the output from this modeling did not meet the statistical confidence thresholds required to predict the impact of this variant on DICER1 protein function. In summary, the available evidence is currently insufficient to determine the role of this variant in disease. Therefore, it has been classified as a Variant of Uncertain Significance.

Ambry Genetics
Classification: Uncertain significance for Hereditary cancer-predisposing syndrome. Last evaluated: 2023-07-21. Review status: criteria provided, single submitter. Criteria: Ambry Variant Classification Scheme 2023. Collection method: clinical testing. Allele origin: germline. Not counted in ClinVar's aggregate classification.
Comment: The p.M1821V variant (also known as c.5461A>G), located in coding exon 24 of the DICER1 gene, results from an A to G substitution at nucleotide position 5461. The methionine at codon 1821 is replaced by valine, an amino acid with highly similar properties. This amino acid position is highly conserved in available vertebrate species. In addition, this alteration is predicted to be deleterious by in silico analysis. Since supporting evidence is limited at this time, the clinical significance of this alteration remains unclear.

Baylor Genetics
Classification: Uncertain significance for Global developmental delay - lung cysts - overgrowth - Wilms tumor syndrome. Last evaluated: 2023-05-11. Review status: criteria provided, single submitter. Criteria: ACMG Guidelines, 2015. Collection method: clinical testing. Allele origin: unknown. Not counted in ClinVar's aggregate classification.